The following is an entry in ClinVar:

NM_206933.4(USH2A):c.7300+43C>T

Gene: USH2A (usherin; minus strand). Cytogenetic location: 1q41.
Variant type: single nucleotide variant.
Coding change: c.7300+43C>T on transcript NM_206933.4 (MANE Select); 43 bases into the intron after coding-DNA position 7300, C replaced by T.
Molecular consequence: intron variant.
Genome position (GRCh38, 1-based): chr1:215,934,573, G>A on the plus strand (C>T on the coding strand, the complement: USH2A is on the minus strand). VCF-style: chr1-215934573-G-A. GRCh37 (hg19) VCF-style: chr1-216107915-G-A.
Identifiers: ClinVar variation 676915 (VCV000676915.5), dbSNP rs41277206, ClinGen allele CA1394888.

ClinVar aggregate classification (germline): Benign. Review status: criteria provided, multiple submitters, no conflicts (2 of 4 stars). 3 submissions from 3 submitters: Benign (3). Last evaluated 2021-07-01.

Conditions:
Usher syndrome type 2A. Also called: USHER SYNDROME, TYPE IIA; RETINAL DISEASE IN USHER SYNDROME TYPE IIA, MODIFIER OF. Identifiers: Orphanet 231178, Orphanet 886, MedGen C1848634, MONDO:0010169, OMIM 276901.

Allele frequency attached by ClinVar (database versions not stated): gnomAD exomes 0.03470 and 0.03541; ExAC 0.03577; 1000 Genomes Project 30x 0.03685; 1000 Genomes Project 0.03734; ESP Exome Variant Server 0.04010; gnomAD 0.04040 and 0.04068; TOPMed 0.04055.
gnomAD v4.1: 56,222 of 1,584,404 alleles (3.5%); highest among the groups gnomAD compares: Middle Eastern, 6.5%; 1,167 homozygotes.

Submissions (3):

Genome-Nilou Lab
Classification: Benign for Usher syndrome type 2A. Last evaluated: 2021-07-01. Review status: criteria provided, single submitter. Criteria: ACMG Guidelines, 2015. Collection method: clinical testing. Allele origin: germline. Affected: no.

GeneDx
Classification: Benign. Last evaluated: 2018-06-16. Review status: criteria provided, single submitter. Criteria: GeneDx Variant Classification (06012015). Collection method: clinical testing. Allele origin: germline. Affected: yes.
Comment: This variant is considered likely benign or benign based on one or more of the following criteria: it is a conservative change, it occurs at a poorly conserved position in the protein, it is predicted to be benign by multiple in silico algorithms, and/or has population frequency not consistent with disease.

Breakthrough Genomics
Classification: Benign. Review status: criteria provided, single submitter. Criteria: ACMG Guidelines, 2015. Collection method: not provided. Allele origin: germline. Inheritance: Autosomal recessive inheritance. Affected: yes.